The following is an entry in ClinVar:

ClinVar aggregate classification (germline): Uncertain significance (1 of 4 stars; one submission).

Submission:

Labcorp Genetics (formerly Invitae), Labcorp
Classification: Uncertain significance. Last evaluated: 2023-09-17. Review status: criteria provided, single submitter. Criteria: Invitae Variant Classification Sherloc (09022015). Collection method: clinical testing. Allele origin: germline.
Comment: This sequence change replaces alanine, which is neutral and non-polar, with glycine, which is neutral and non-polar, at codon 726 of the SAMD9L protein (p.Ala726Gly). This variant is not present in population databases (gnomAD no frequency). This variant has not been reported in the literature in individuals affected with SAMD9L-related conditions. Advanced modeling of protein sequence and biophysical properties (such as structural, functional, and spatial information, amino acid conservation, physicochemical variation, residue mobility, and thermodynamic stability) performed at Invitae indicates that this missense variant is not expected to disrupt SAMD9L protein function. In summary, the available evidence is currently insufficient to determine the role of this variant in disease. Therefore, it has been classified as a Variant of Uncertain Significance.

NM_152703.5(SAMD9L):c.2177C>G (p.Ala726Gly)

Gene: SAMD9L (sterile alpha motif domain containing 9 like; minus strand). Cytogenetic location: 7q21.2.
Variant type: single nucleotide variant.
Coding change: c.2177C>G on transcript NM_152703.5 (MANE Select); coding-DNA position 2177, C replaced by G.
Protein change: p.Ala726Gly; replaces alanine 726 with glycine.
Molecular consequence: missense variant.
Genome position (GRCh38, 1-based): chr7:93,133,795, G>C on the plus strand (C>G on the coding strand, the complement: SAMD9L is on the minus strand). VCF-style: chr7-93133795-G-C. GRCh37 (hg19) VCF-style: chr7-92763108-G-C.
Other names: c.2177C>G, p.Ala726Gly (NM_001303496.3, NM_001303497.3, NM_001303498.3 and 5 more transcripts); short protein forms A726G.
Identifiers: ClinVar variation 2761254 (VCV002761254.3), dbSNP rs979483507, ClinGen allele CA368192388.
Genomic context (GRCh38, chr7:93,133,795, plus strand): 5'-CCACAGCCTGGATGATGATAAAGATTGATGATTTTTGCAAATATTGGTTTAGGAGACTCT[G>C]CCCAGCAGTGTATTAAATCTTTAAGCTTTTCATAACTGTCCCTTTTAACAAAATCTGAAG-3'
Protein context (NP_689916.2, residues 716-736): EKLKDLIHCW[Ala726Gly]ESPKPIFAKI